The following is an entry in ClinVar:

ClinVar aggregate classification (germline): Uncertain significance. Review status: criteria provided, multiple submitters, no conflicts (2 of 4 stars). 2 submissions from 2 submitters: Uncertain significance (2). Last evaluated 2025-04-11.

Conditions:
Inborn genetic diseases. Identifiers: MedGen C0950123, MeSH D030342.

Allele frequency attached by ClinVar (database versions not stated): gnomAD exomes 0.00001; ExAC 0.00004; gnomAD 0.00006; TOPMed 0.00007; ESP Exome Variant Server 0.00008; 1000 Genomes Project 30x 0.00016; 1000 Genomes Project 0.00020.
gnomAD v4.1: 16 of 1,611,354 alleles (0.00099%); highest among the groups gnomAD compares: African/African-American, 0.012%; no homozygotes.

Submissions (2):

Ambry Genetics
Classification: Uncertain significance for Inborn genetic diseases. Last evaluated: 2025-04-11. Review status: criteria provided, single submitter. Criteria: Ambry Variant Classification Scheme 2023. Collection method: clinical testing. Allele origin: germline.

Labcorp Genetics (formerly Invitae), Labcorp
Classification: Uncertain significance. Last evaluated: 2023-07-10. Review status: criteria provided, single submitter. Criteria: Invitae Variant Classification Sherloc (09022015). Collection method: clinical testing. Allele origin: germline.
Comment: This sequence change replaces glycine, which is neutral and non-polar, with arginine, which is basic and polar, at codon 184 of the NFKB1 protein (p.Gly184Arg). This variant is present in population databases (rs370312017, gnomAD 0.03%). This variant has not been reported in the literature in individuals affected with NFKB1-related conditions. ClinVar contains an entry for this variant (Variation ID: 2191017). An algorithm developed to predict the effect of missense changes on protein structure and function (PolyPhen-2) suggests that this variant is likely to be tolerated. In summary, the available evidence is currently insufficient to determine the role of this variant in disease. Therefore, it has been classified as a Variant of Uncertain Significance.

NM_003998.4(NFKB1):c.550G>A (p.Gly184Arg)

Gene: NFKB1 (nuclear factor kappa B subunit 1; plus strand). Cytogenetic location: 4q24.
Variant type: single nucleotide variant.
Coding change: c.550G>A on transcript NM_003998.4 (MANE Select); coding-DNA position 550, G replaced by A.
Protein change: p.Gly184Arg; replaces glycine 184 with arginine.
Molecular consequence: missense variant.
Genome position (GRCh38, 1-based): chr4:102,577,018, G>A. VCF-style: chr4-102577018-G-A. GRCh37 (hg19) VCF-style: chr4-103498175-G-A.
Other names: c.547G>A, p.Gly183Arg (NM_001165412.2, NM_001319226.2, NM_001382627.1); c.550G>A, p.Gly184Arg (NM_001382625.1, NM_001382626.1); c.508G>A, p.Gly170Arg (NM_001382628.1); c.550G>A (NM_003998.3); short protein forms G183R, G170R, G184R.
Identifiers: ClinVar variation 2191017 (VCV002191017.5), dbSNP rs370312017, ClinGen allele CA3025900.
Genomic context (GRCh38, chr4:102,577,018, plus strand): 5'-AGGGGCTATAATCCTGGACTCTTGGTGCACCCTGACCTTGCCTATTTGCAAGCAGAAGGT[G>A]GAGGGGACCGGCAGCTGGGAGGTAAGCATCATTTTCCTGGCCTTGATCCTCCAAGGGGTC-3'
Protein context (NP_003989.2, residues 174-194): PDLAYLQAEG[Gly184Arg]GDRQLGDREK